The following is an entry in ClinVar:

ClinVar aggregate classification (germline): Likely benign. Review status: reviewed by expert panel (3 of 4 stars). 3 submissions from 3 submitters: Likely benign (1). 2 of the submissions do not count toward it. Last evaluated 2024-08-28.

Conditions:
Hereditary thrombocytopenia and hematologic cancer predisposition syndrome. Identifiers: Orphanet 71290, MedGen CN281654, MONDO:0011071.
Inborn genetic diseases. Identifiers: MedGen C0950123, MeSH D030342.
Hereditary thrombocytopenia and hematological cancer predisposition syndrome associated with RUNX1. Also called: Familial Platelet Disorder with Propensity to Acute Myelogenous Leukemia; Familial thrombocytopenia with propensity to acute myelogenous leukemia; PLATELET DISORDER, ASPIRIN-LIKE; RUNX1 Familial Platelet Disorder with Associated Myeloid Malignancies. Identifiers: Orphanet 71290, MedGen C1832388, MeSH C563324, MONDO:0100083, OMIM 601399.

gnomAD v4.1: 1 of 1,614,186 alleles (0.000062%); highest among the groups gnomAD compares: Non-Finnish European, 0.000085%; no homozygotes.

Submissions (3):

ClinGen Myeloid Malignancy Variant Curation Expert Panel
Classification: Likely benign for Hereditary thrombocytopenia and hematologic cancer predisposition syndrome. Last evaluated: 2024-08-28. Review status: reviewed by expert panel. Criteria: ClinGen MyeloMalig ACMG Specifications v2. Collection method: curation. Allele origin: germline. Inheritance: Autosomal dominant inheritance.
Comment: NM_001754.5(RUNX1):c.956G>A (p.Ser319Asn) is a missense variant which has been demonstrated to have normal transactivation (80-115% of wt) in transactivation assays (BS3_supporting; PMID: 34166225). This missense variant has a REVEL score < 0.50 (0.127) and a SpliceAI score ≤ 0.20 (0.01) (BP4). This variant is completely absent from all population databases with at least 20x coverage for RUNX1 (PM2_supporting). In summary, this variant meets criteria to be classified as likely benign. ACMG/AMP criteria applied, as specified by the Myeloid Malignancy Variant Curation Expert Panel for RUNX1: BS3_supporting, BP4, PM2_supporting.

Ambry Genetics
Classification: Likely benign for Inborn genetic diseases. Last evaluated: 2025-01-20. Review status: criteria provided, single submitter. Criteria: Ambry Variant Classification Scheme 2023. Collection method: clinical testing. Allele origin: germline. Not counted in ClinVar's aggregate classification.

Labcorp Genetics (formerly Invitae), Labcorp
Classification: Uncertain significance for Hereditary thrombocytopenia and hematological cancer predisposition syndrome associated with RUNX1. Last evaluated: 2022-12-14. Review status: criteria provided, single submitter. Criteria: Invitae Variant Classification Sherloc (09022015). Collection method: clinical testing. Allele origin: germline. Not counted in ClinVar's aggregate classification.
Comment: Advanced modeling of protein sequence and biophysical properties (such as structural, functional, and spatial information, amino acid conservation, physicochemical variation, residue mobility, and thermodynamic stability) performed at Invitae indicates that this missense variant is not expected to disrupt RUNX1 protein function. ClinVar contains an entry for this variant (Variation ID: 1371213). This missense change has been observed in individual(s) with acute lymphoblastic leukemia (PMID: 34166225). This variant is not present in population databases (gnomAD no frequency). This sequence change replaces serine, which is neutral and polar, with asparagine, which is neutral and polar, at codon 319 of the RUNX1 protein (p.Ser319Asn). In summary, the available evidence is currently insufficient to determine the role of this variant in disease. Therefore, it has been classified as a Variant of Uncertain Significance.

Literature cited by the submitters: PubMed 34166225 (cited by ClinGen Myeloid Malignancy Variant Curation Expert Panel and Labcorp Genetics (formerly Invitae), Labcorp).

NM_001754.5(RUNX1):c.956G>A (p.Ser319Asn)

Gene: RUNX1 (RUNX family transcription factor 1; minus strand). Cytogenetic location: 21q22.12.
Variant type: single nucleotide variant.
Coding change: c.956G>A on transcript NM_001754.5 (MANE Select); coding-DNA position 956, G replaced by A.
Protein change: p.Ser319Asn; replaces serine 319 with asparagine.
Molecular consequence: missense variant.
Genome position (GRCh38, 1-based): chr21:34,799,312, C>T on the plus strand (G>A on the coding strand, the complement: RUNX1 is on the minus strand). VCF-style: chr21-34799312-C-T. GRCh37 (hg19) VCF-style: chr21-36171609-C-T.
Other names: NM_001754.5(RUNX1):c.956G>A; p.Ser319Asn; c.875G>A, p.Ser292Asn (NM_001001890.3); c.956G>A (NM_001754.4); short protein forms S292N, S319N.
Identifiers: ClinVar variation 1371213 (VCV001371213.8), dbSNP rs2145907184, ClinGen allele CA410149585.
Genomic context (GRCh38, chr21:34,799,312, plus strand): 5'-ACCTTCCACCCCAGCTCAGCTGCAAAGAATGTGTTTTCAAGTGGCTTACTTGAGAGTCGA[C>T]TGGAAAGTTCTGCAGAGAGGGTTGTCATGCCGCTGGCACGTCCAGGTGAAATGGGCGTTG-3'
Protein context (NP_001745.2, residues 309-329): GMTTLSAELS[Ser319Asn]RLSTAPDLTA